The following is an entry in ClinVar:

ClinVar aggregate classification (germline): Uncertain significance (1 of 4 stars; one submission).

Conditions:
Hereditary nonpolyposis colorectal neoplasms. Identifiers: MedGen C0009405, MeSH D003123.

Submission:

Labcorp Genetics (formerly Invitae), Labcorp
Classification: Uncertain significance for Hereditary nonpolyposis colorectal neoplasms. Last evaluated: 2022-01-26. Review status: criteria provided, single submitter. Criteria: Invitae Variant Classification Sherloc (09022015). Collection method: clinical testing. Allele origin: germline.
Comment: This variant is not present in population databases (gnomAD no frequency). This sequence change replaces threonine, which is neutral and polar, with alanine, which is neutral and non-polar, at codon 217 of the PMS2 protein (p.Thr217Ala). This variant has not been reported in the literature in individuals affected with PMS2-related conditions. In summary, the available evidence is currently insufficient to determine the role of this variant in disease. Therefore, it has been classified as a Variant of Uncertain Significance. Advanced modeling of protein sequence and biophysical properties (such as structural, functional, and spatial information, amino acid conservation, physicochemical variation, residue mobility, and thermodynamic stability) performed at Invitae indicates that this missense variant is not expected to disrupt PMS2 protein function.

NM_000535.7(PMS2):c.649A>G (p.Thr217Ala)

Gene: PMS2 (PMS1 homolog 2, mismatch repair system component; minus strand). Cytogenetic location: 7p22.1.
Variant type: single nucleotide variant.
Coding change: c.649A>G on transcript NM_000535.7 (MANE Select); coding-DNA position 649, A replaced by G.
Protein change: p.Thr217Ala; replaces threonine 217 with alanine.
Molecular consequence: missense variant. On other transcripts: 5 prime UTR variant (2), non-coding transcript variant (1), intron variant (1).
Genome position (GRCh38, 1-based): chr7:5,999,164, T>C on the plus strand (A>G on the coding strand, the complement: PMS2 is on the minus strand). VCF-style: chr7-5999164-T-C. GRCh37 (hg19) VCF-style: chr7-6038795-T-C.
Other names: c.331A>G, p.Thr111Ala (NM_001322008.2, NM_001322007.2); c.244A>G, p.Thr82Ala (NM_001322009.2, NM_001322010.2, NM_001322003.2 and 2 more transcripts); c.-285A>G (NM_001322011.2, NM_001322012.2); c.649A>G, p.Thr217Ala (NM_001322014.2, NM_001322006.2); c.340A>G, p.Thr114Ala (NM_001322015.2); c.133-1741A>G (NM_001322013.2); short protein forms T217A, T111A, T114A, T82A.
Identifiers: ClinVar variation 1492858 (VCV001492858.8), dbSNP rs1784800451, ClinGen allele CA366743916.
Genomic context (GRCh38, chr7:5,999,164, plus strand): 5'-CTACCTGCTTCTGCCCAAACACAGAGCCGATATTTTCCTTTATGCTGGGGCTTCCACCTG[T>C]GCATACCACAGGCTGTCGTTTTCCTTGTCCAAGCTGATTGGTGCAACTTACACGGATGCC-3'
Protein context (NP_000526.2, residues 207-227): GQGKRQPVVC[Thr217Ala]GGSPSIKENI